The following is an entry in ClinVar:

NM_003072.5(SMARCA4):c.1115A>G (p.Tyr372Cys)

Gene: SMARCA4 (SWI/SNF related BAF chromatin remodeling complex subunit ATPase 4; plus strand). Cytogenetic location: 19p13.2.
Variant type: single nucleotide variant.
Coding change: c.1115A>G on transcript NM_003072.5 (MANE Select); coding-DNA position 1115, A replaced by G.
Protein change: p.Tyr372Cys; replaces tyrosine 372 with cysteine.
Molecular consequence: missense variant. On other transcripts: non-coding transcript variant (1).
Genome position (GRCh38, 1-based): chr19:10,987,921, A>G. VCF-style: chr19-10987921-A-G. GRCh37 (hg19) VCF-style: chr19-11098597-A-G.
Other names: c.1115A>G, p.Tyr372Cys (NM_001128844.3, NM_001128845.2, NM_001128846.2 and 6 more transcripts); short protein forms Y372C.
Identifiers: ClinVar variation 3636844 (VCV003636844.2).

ClinVar aggregate classification (germline): Uncertain significance (1 of 4 stars; one submission).

Conditions:
Rhabdoid tumor predisposition syndrome 2 (RTPS2). Identifiers: Orphanet 231108, Orphanet 69077, MedGen C2750074, MONDO:0013224, OMIM 613325.

Submission:

Labcorp Genetics (formerly Invitae), Labcorp
Classification: Uncertain significance for Rhabdoid tumor predisposition syndrome 2. Last evaluated: 2024-12-02. Review status: criteria provided, single submitter. Criteria: Invitae Variant Classification Sherloc (09022015). Collection method: clinical testing. Allele origin: germline.
Comment: This sequence change replaces tyrosine, which is neutral and polar, with cysteine, which is neutral and slightly polar, at codon 372 of the SMARCA4 protein (p.Tyr372Cys). This variant is not present in population databases (gnomAD no frequency). This variant has not been reported in the literature in individuals affected with SMARCA4-related conditions. Invitae Evidence Modeling of protein sequence and biophysical properties (such as structural, functional, and spatial information, amino acid conservation, physicochemical variation, residue mobility, and thermodynamic stability) indicates that this missense variant is not expected to disrupt SMARCA4 protein function with a negative predictive value of 95%. In summary, the available evidence is currently insufficient to determine the role of this variant in disease. Therefore, it has been classified as a Variant of Uncertain Significance.